The following is an entry in ClinVar:

NM_024577.4(SH3TC2):c.1325C>T (p.Pro442Leu)

Gene: SH3TC2 (SH3 domain and tetratricopeptide repeats 2; minus strand). Cytogenetic location: 5q32.
Variant type: single nucleotide variant.
Coding change: c.1325C>T on transcript NM_024577.4 (MANE Select); coding-DNA position 1325, C replaced by T.
Protein change: p.Pro442Leu; replaces proline 442 with leucine.
Molecular consequence: missense variant.
Genome position (GRCh38, 1-based): chr5:149,028,407, G>A on the plus strand (C>T on the coding strand, the complement: SH3TC2 is on the minus strand). VCF-style: chr5-149028407-G-A. GRCh37 (hg19) VCF-style: chr5-148407970-G-A.
Other names: short protein forms P442L.
Identifiers: ClinVar variation 452652 (VCV000452652.14), dbSNP rs370613184, ClinGen allele CA3499197.
Genomic context (GRCh38, chr5:149,028,407, plus strand): 5'-TCCTCCTGACCAGTGCTTAGGTCCATGAGCAGTTCCGGGTCATCAAGGTCATCAGGCTCC[G>A]GCAGGCGATAGCTGTCTGAGGTGGCCGAGAGGAGCTCCTCCTCCAGGCTGGAGTCCTCAG-3'
Protein context (NP_078853.2, residues 432-452): LSATSDSYRL[Pro442Leu]EPDDLDDPEL

ClinVar aggregate classification (germline): Conflicting classifications of pathogenicity. Review status: criteria provided, conflicting classifications (1 of 4 stars). 5 submissions from 5 submitters: Uncertain significance (3); Likely benign (1). 1 of the submissions does not count toward it. Last evaluated 2025-12-15.

Conditions:
Hereditary motor neuron disease. Also called: Genetic motor neuron disease. Identifiers: Orphanet 98505, MedGen C0270763, MONDO:0024257.
Inborn genetic diseases. Identifiers: MedGen C0950123, MeSH D030342.
Charcot-Marie-Tooth disease type 4. Also called: Charcot-Marie-Tooth disease, type IV; Charcot-Marie-Tooth, Type 4. Identifiers: Orphanet 64749, MedGen C4082197, MONDO:0018995.

Allele frequency attached by ClinVar (database versions not stated): gnomAD 0.00001; TOPMed 0.00002; gnomAD exomes 0.00004; ESP Exome Variant Server 0.00008; ExAC 0.00006.
gnomAD v4.1: 22 of 1,613,882 alleles (0.0014%); highest among the groups gnomAD compares: South Asian, 0.0077%; no homozygotes.

Submissions (5):

Ambry Genetics
Classification: Uncertain significance for Inborn genetic diseases. Last evaluated: 2025-12-15. Review status: criteria provided, single submitter. Criteria: Ambry Variant Classification Scheme 2023. Collection method: clinical testing. Allele origin: germline.

Labcorp Genetics (formerly Invitae), Labcorp
Classification: Likely benign for Charcot-Marie-Tooth disease type 4. Last evaluated: 2025-07-24. Review status: criteria provided, single submitter. Criteria: Invitae Variant Classification Sherloc (09022015). Collection method: clinical testing. Allele origin: germline.

Athena Diagnostics
Classification: Uncertain significance. Last evaluated: 2022-10-15. Review status: criteria provided, single submitter. Criteria: Athena Diagnostics Criteria. Collection method: clinical testing. Allele origin: unknown.
Comment: Available data are insufficient to determine the clinical significance of the variant at this time. The frequency of this variant in the general population is uninformative in assessment of its pathogenicity. Computational tools predict that this variant is not damaging.

GeneDx
Classification: Uncertain significance. Last evaluated: 2017-10-17. Review status: criteria provided, single submitter. Criteria: GeneDx Variant Classification (06012015). Collection method: clinical testing. Allele origin: germline. Affected: yes.
Comment: The P442L variant in the SH3TC2 gene has not been reported previously as a pathogenic variant, nor as a benign variant, to our knowledge. The P442L variant is observed in 5/30776 (0.016%) alleles from individuals of South Asian background, in large population cohorts (Lek et al., 2016). The P442L variant is a semi-conservative amino acid substitution, which may impact secondary protein structure as these residues differ in some properties. This substitution occurs at a position that is conserved in mammals. In silico analysis predicts this variant is probably damaging to the protein structure/function. We interpret P442L as a variant of uncertain significance.

Inherited Neuropathy Consortium
Classification: Likely pathogenic for Hereditary motor neuron disease. Review status: no assertion criteria provided. Collection method: provider interpretation. Allele origin: inherited. Affected: yes. Not counted in ClinVar's aggregate classification.